The following is an entry in ClinVar:

ClinVar aggregate classification (germline): Benign/Likely benign. Review status: criteria provided, multiple submitters, no conflicts (2 of 4 stars). 3 submissions from 3 submitters: Benign (2); Likely benign (1). Last evaluated 2026-06-01.

Allele frequency attached by ClinVar (database versions not stated): 1000 Genomes Project 0.00140; 1000 Genomes Project 30x 0.00172; gnomAD 0.00358 and 0.00365; TOPMed 0.00380; gnomAD exomes 0.00389 and 0.00584; ESP Exome Variant Server 0.00433; ExAC 0.00622.
gnomAD v4.1: 8,750 of 1,562,376 alleles (0.56%); highest among the groups gnomAD compares: Non-Finnish European, 0.68%; 30 homozygotes.

Submissions (3):

CeGaT Center for Human Genetics Tuebingen
Classification: Likely benign. Last evaluated: 2026-06-01. Review status: criteria provided, single submitter. Criteria: CeGaT Center For Human Genetics Tuebingen Variant Classification Criteria Version 2. Collection method: clinical testing. Allele origin: germline. Affected: yes. Observed: 1 variant allele.
Comment: MEF2A: BP4, BS2

Labcorp Genetics (formerly Invitae), Labcorp
Classification: Benign. Last evaluated: 2019-12-31. Review status: criteria provided, single submitter. Criteria: Invitae Variant Classification Sherloc (09022015). Collection method: clinical testing. Allele origin: germline.

Breakthrough Genomics
Classification: Benign. Review status: criteria provided, single submitter. Criteria: ACMG Guidelines, 2015. Collection method: not provided. Allele origin: germline. Inheritance: Autosomal dominant inheritance. Affected: yes.

NM_001319206.4(MEF2A):c.1435A>G (p.Ile479Val)

Gene: MEF2A (myocyte enhancer factor 2A; plus strand). Cytogenetic location: 15q26.3.
Variant type: single nucleotide variant.
Coding change: c.1435A>G on transcript NM_001319206.4 (MANE Select); coding-DNA position 1435, A replaced by G.
Protein change: p.Ile479Val; replaces isoleucine 479 with valine.
Molecular consequence: missense variant.
Genome position (GRCh38, 1-based): chr15:99,712,688, A>G. VCF-style: chr15-99712688-A-G. GRCh37 (hg19) VCF-style: chr15-100252893-A-G.
Other names: c.1411A>G, p.Ile471Val (NM_001130926.5, NM_001171894.5, NM_001352614.4 and 2 more transcripts); c.1231A>G, p.Ile411Val (NM_001130927.5, NM_001365209.3); c.1207A>G, p.Ile403Val (NM_001130928.4, NM_001393559.2); c.1435A>G, p.Ile479Val (NM_001352616.4, NM_001365205.3); c.1417A>G, p.Ile473Val (NM_001352617.4, NM_001365207.3, NM_005587.6); c.1429A>G, p.Ile477Val (NM_001352618.4, NM_001365206.3); c.1453A>G, p.Ile485Val (NM_001365201.3, NM_001365202.3); c.1441A>G, p.Ile481Val (NM_001365203.3, NM_001365204.3); and 3 more; short protein forms I403V, I471V, I481V, I485V, I411V, I473V, I477V, I479V.
Identifiers: ClinVar variation 779275 (VCV000779275.7), dbSNP rs111748677, ClinGen allele CA7755704.
Genomic context (GRCh38, chr15:99,712,688, plus strand): 5'-TCTAGTAGCTCCTATGATGGCAGTGATCGGGAGGATCCACGGGGCGACTTCCATTCTCCA[A>G]TTGTGCTTGGCCGACCCCCAAACACTGAGGACAGAGAAAGCCCTTCTGTAAAGCGAATGA-3'
Protein context (NP_001306135.1, residues 469-489): EDPRGDFHSP[Ile479Val]VLGRPPNTED